The following is an entry in ClinVar:

ClinVar aggregate classification (germline): Uncertain significance. Review status: criteria provided, multiple submitters, no conflicts (2 of 4 stars). 2 submissions from 2 submitters: Uncertain significance (2). Last evaluated 2025-11-03.

Conditions:
Left ventricular noncompaction 1 (LVNC1). Also called: LEFT VENTRICULAR NONCOMPACTION 1 WITH OR WITHOUT CONGENITAL HEART DEFECTS. Identifiers: Orphanet 54260, MedGen C1858725, MONDO:0011403, OMIM 604169.

Allele frequency attached by ClinVar (database versions not stated): gnomAD 0.00002; TOPMed 0.00002.
gnomAD v4.1: 4 of 1,614,030 alleles (0.00025%); highest among the groups gnomAD compares: Non-Finnish European, 0.00034%; no homozygotes.

Submissions (2):

Ambry Genetics
Classification: Uncertain significance. Last evaluated: 2025-11-03. Review status: criteria provided, single submitter. Criteria: Ambry Variant Classification Scheme 2023. Collection method: clinical testing. Allele origin: germline.

Labcorp Genetics (formerly Invitae), Labcorp
Classification: Uncertain significance for Left ventricular noncompaction 1. Last evaluated: 2025-10-28. Review status: criteria provided, single submitter. Criteria: Invitae Variant Classification Sherloc (09022015). Collection method: clinical testing. Allele origin: germline.
Comment: This sequence change replaces alanine, which is neutral and non-polar, with serine, which is neutral and polar, at codon 508 of the DTNA protein (p.Ala508Ser). This variant is present in population databases (no rsID available, gnomAD 0.01%). This variant has not been reported in the literature in individuals affected with DTNA-related conditions. ClinVar contains an entry for this variant (Variation ID: 466628). An algorithm developed to predict the effect of missense changes on protein structure and function (PolyPhen-2) suggests that this variant is likely to be tolerated. In summary, the available evidence is currently insufficient to determine the role of this variant in disease. Therefore, it has been classified as a Variant of Uncertain Significance.

NM_001386795.1(DTNA):c.1603G>T (p.Ala535Ser)

Gene: DTNA (dystrobrevin alpha; plus strand). Cytogenetic location: 18q12.1.
Variant type: single nucleotide variant.
Coding change: c.1603G>T on transcript NM_001386795.1 (MANE Select); coding-DNA position 1603, G replaced by T.
Protein change: p.Ala535Ser; replaces alanine 535 with serine.
Molecular consequence: missense variant.
Genome position (GRCh38, 1-based): chr18:34,858,355, G>T. VCF-style: chr18-34858355-G-T. GRCh37 (hg19) VCF-style: chr18-32438319-G-T.
Other names: c.1342G>T, p.Ala448Ser (NM_001198938.2, NM_001198939.2, NM_001198940.2 and 9 more transcripts); c.649G>T, p.Ala217Ser (NM_001198942.1); c.592G>T, p.Ala198Ser (NM_001198943.1); c.478G>T, p.Ala160Ser (NM_001198944.1); c.772G>T, p.Ala258Ser (NM_001198945.2); c.1432G>T, p.Ala478Ser (NM_001386754.1, NM_001386755.1, NM_001386756.1 and 4 more transcripts); c.1429G>T, p.Ala477Ser (NM_001386760.1); c.1351G>T, p.Ala451Ser (NM_001386761.1, NM_032975.4, NM_032979.5); and 7 more; short protein forms A451S, A505S, A508S, A217S, A130S, A198S, A258S, A156S.
Identifiers: ClinVar variation 466628 (VCV000466628.10), dbSNP rs746736894, ClinGen allele CA297791546.